The following is an entry in ClinVar:

ClinVar aggregate classification (germline): Uncertain significance (1 of 4 stars; one submission).

Conditions:
Hereditary cancer-predisposing syndrome. Also called: Neoplastic Syndromes, Hereditary; Tumor predisposition; Hereditary Cancer Syndrome; Hereditary neoplastic syndrome. Identifiers: Orphanet 140162, MedGen C0027672, MeSH D009386, MONDO:0015356.

Submission:

Ambry Genetics
Classification: Uncertain significance for Hereditary cancer-predisposing syndrome. Last evaluated: 2022-07-07. Review status: criteria provided, single submitter. Criteria: Ambry Variant Classification Scheme 2023. Collection method: clinical testing. Allele origin: germline.
Comment: The p.G971R variant (also known as c.2911G>A), located in coding exon 4 of the MSH6 gene, results from a G to A substitution at nucleotide position 2911. The glycine at codon 971 is replaced by arginine, an amino acid with dissimilar properties. This amino acid position is highly conserved in available vertebrate species. In addition, this alteration is predicted to be deleterious by in silico analysis. Since supporting evidence is limited at this time, the clinical significance of this alteration remains unclear.

NM_000179.3(MSH6):c.2911G>A (p.Gly971Arg)

Gene: MSH6 (mutS homolog 6; plus strand). Cytogenetic location: 2p16.3.
Variant type: single nucleotide variant.
Coding change: c.2911G>A on transcript NM_000179.3 (MANE Select); coding-DNA position 2911, G replaced by A.
Protein change: p.Gly971Arg; replaces glycine 971 with arginine.
Molecular consequence: missense variant.
Genome position (GRCh38, 1-based): chr2:47,800,894, G>A. VCF-style: chr2-47800894-G-A. GRCh37 (hg19) VCF-style: chr2-48028033-G-A.
Other names: c.2521G>A, p.Gly841Arg (NM_001281492.2); c.2005G>A, p.Gly669Arg (NM_001281493.2, NM_001281494.2, NM_001406811.1 and 6 more transcripts); c.3007G>A, p.Gly1003Arg (NM_001406795.1, NM_001406802.1); c.2911G>A, p.Gly971Arg (NM_001406796.1, NM_001406798.1, NM_001406800.1 and 2 more transcripts); c.2614G>A, p.Gly872Arg (NM_001406797.1, NM_001406801.1, NM_001406805.1 and 10 more transcripts); c.2386G>A, p.Gly796Arg (NM_001406799.1, NM_001406806.1, NM_001406807.1); c.2833G>A, p.Gly945Arg (NM_001406804.1); c.2917G>A, p.Gly973Arg (NM_001406813.1); and 2 more; short protein forms G796R, G872R, G945R, G286R, G841R, G915R, G971R, G1003R.
Identifiers: ClinVar variation 1797587 (VCV001797587.2), dbSNP rs2104430271, ClinGen allele CA346756158.
Genomic context (GRCh38, chr2:47,800,894, plus strand): 5'-CTCCTGGAATACCTAGAGAAACAGCGCAACAGAATTGGCTGTAGGACCATAGTCTATTGG[G>A]GGATTGGTAGGAACCGTTACCAGCTGGAAATTCCTGAGAATTTCACCACTCGCAATTTGC-3'
Protein context (NP_000170.1, residues 961-981): RIGCRTIVYW[Gly971Arg]IGRNRYQLEI